The following is an entry in ClinVar:

NM_001171613.2(PREPL):c.350-10_350-8del

Gene: PREPL (prolyl endopeptidase like; minus strand). Cytogenetic location: 2p21.
Variant type: Deletion.
Coding change: c.350-10_350-8del on transcript NM_001171613.2 (MANE Select); 10 bases into the intron before coding-DNA position 350 through 8 bases into the intron before coding-DNA position 350, 3 bases deleted (TTT; older notation c.350-10_350-8delTTT).
Molecular consequence: intron variant.
Genome position (GRCh38, 1-based): chr2:44,342,560-44,342,562, AAA deleted on the plus strand (TTT on the coding strand, the reverse complement: PREPL is on the minus strand); deleting any 3 consecutive bases within chr2:44,342,560-44,342,563 gives the same sequence; the c. name uses the placement nearest the transcript's 3' end. VCF-style (leftmost placement, unchanged base first): chr2-44342559-GAAA-G. GRCh37 (hg19) VCF-style: chr2-44569698-GAAA-G.
Other names: c.350-10_350-8del (NM_001171617.1, NM_001374277.1); c.617-10_617-8del (NM_001171603.1, NM_001374275.1, NM_001374276.1 and 4 more transcripts); c.617-10_617-8delTTT (NM_006036.4).
Identifiers: ClinVar variation 1587724 (VCV001587724.9), dbSNP rs751258871, ClinGen allele CA1641500.

ClinVar aggregate classification (germline): Likely benign. Review status: criteria provided, multiple submitters, no conflicts (2 of 4 stars). 2 submissions from 2 submitters: Likely benign (2). Last evaluated 2025-05-12.

Conditions:
PREPL-related disorder. Also called: PREPL-related condition.
Myasthenic syndrome, congenital, 22 (CMS22). Also called: PREPL DEFICIENCY. Identifiers: MedGen C4479088, MONDO:0044299, OMIM 616224.

Submissions (2):

PreventionGenetics, part of Exact Sciences
Classification: Likely benign for PREPL-related condition. Last evaluated: 2025-05-12. Review status: criteria provided, single submitter. Criteria: ACMG Guidelines, 2015. Collection method: clinical testing. Allele origin: germline.
Comment: This variant is classified as likely benign based on ACMG/AMP sequence variant interpretation guidelines (Richards et al. 2015 PMID: 25741868, with internal and published modifications).

Labcorp Genetics (formerly Invitae), Labcorp
Classification: Likely benign for Myasthenic syndrome, congenital, 22. Last evaluated: 2024-11-19. Review status: criteria provided, single submitter. Criteria: Invitae Variant Classification Sherloc (09022015). Collection method: clinical testing. Allele origin: germline.